The following is an entry in ClinVar:

ClinVar aggregate classification (germline): Uncertain significance (1 of 4 stars; one submission).

Conditions:
Intellectual developmental disorder, X-linked 1. Also called: Atkin Flaitz Patil Smith syndrome; Intellectual disability, X-linked 1; MENTAL RETARDATION, X-LINKED 18; MENTAL RETARDATION, X-LINKED 78. Identifiers: Orphanet 777, MedGen C2931498, MONDO:0010656, OMIM 309530.

Submission:

Labcorp Genetics (formerly Invitae), Labcorp
Classification: Uncertain significance for Intellectual developmental disorder, X-linked 1. Last evaluated: 2022-10-30. Review status: criteria provided, single submitter. Criteria: Invitae Variant Classification Sherloc (09022015). Collection method: clinical testing. Allele origin: germline.
Comment: In summary, the available evidence is currently insufficient to determine the role of this variant in disease. Therefore, it has been classified as a Variant of Uncertain Significance. Advanced modeling of protein sequence and biophysical properties (such as structural, functional, and spatial information, amino acid conservation, physicochemical variation, residue mobility, and thermodynamic stability) has been performed at Invitae for this missense variant, however the output from this modeling did not meet the statistical confidence thresholds required to predict the impact of this variant on IQSEC2 protein function. This variant has not been reported in the literature in individuals affected with IQSEC2-related conditions. This variant is not present in population databases (gnomAD no frequency). This sequence change replaces histidine, which is basic and polar, with tyrosine, which is neutral and polar, at codon 993 of the IQSEC2 protein (p.His993Tyr).

NM_001111125.3(IQSEC2):c.2977C>T (p.His993Tyr)

Gene: IQSEC2 (IQ motif and Sec7 domain ArfGEF 2; minus strand). Cytogenetic location: Xp11.22.
Variant type: single nucleotide variant.
Coding change: c.2977C>T on transcript NM_001111125.3 (MANE Select); coding-DNA position 2977, C replaced by T.
Protein change: p.His993Tyr; replaces histidine 993 with tyrosine.
Molecular consequence: missense variant.
Genome position (GRCh38, 1-based): chrX:53,241,822, G>A on the plus strand (C>T on the coding strand, the complement: IQSEC2 is on the minus strand). VCF-style: chrX-53241822-G-A. GRCh37 (hg19) VCF-style: chrX-53271004-G-A.
Other names: c.2977C>T, p.His993Tyr (NM_001410736.1); c.2362C>T, p.His788Tyr (NM_015075.2); short protein forms H788Y, H993Y.
Identifiers: ClinVar variation 2810846 (VCV002810846.3), dbSNP rs2519732064, ClinGen allele CA413149023.